The following is an entry in ClinVar:

ClinVar aggregate classification (germline): Benign. Review status: criteria provided, multiple submitters, no conflicts (2 of 4 stars). 11 submissions from 10 submitters: Benign (9). 2 of the submissions do not count toward it. Last evaluated 2026-02-04.

Conditions:
Brain small vessel disease 1 with or without ocular anomalies (BSVD1). Also called: BRAIN SMALL VESSEL DISEASE WITH HEMORRHAGE; PORENCEPHALY, TYPE 1, AUTOSOMAL DOMINANT; GOULD SYNDROME 1; Brain small vessel disease with or without ocular anomalies. Identifiers: Orphanet 2940, Orphanet 36383, Orphanet 99810, MedGen C4755307, MONDO:0008289, OMIM 175780.
Autosomal dominant familial hematuria-retinal arteriolar tortuosity-contractures syndrome. Also called: Angiopathy, hereditary, with nephropathy, aneurysms, and muscle cramps; Hereditary Angiopathy with Nephropathy, Aneurysms, and Muscle Cramps (HANAC) Syndrome. Identifiers: Orphanet 73229, MedGen C2673195, MONDO:0012726, OMIM 611773.

Allele frequency attached by ClinVar (database versions not stated): TOPMed 0.99997; gnomAD 0.99999; gnomAD exomes 1.00000.

Submissions (11):

Labcorp Genetics (formerly Invitae), Labcorp
Classification: Benign. Last evaluated: 2026-02-04. Review status: criteria provided, single submitter. Criteria: Invitae Variant Classification Sherloc (09022015). Collection method: clinical testing. Allele origin: germline.

Blueprint Genetics
Classification: Benign. Last evaluated: 2024-11-27. Review status: criteria provided, single submitter. Criteria: ACMG Guidelines, 2015. Collection method: clinical testing. Allele origin: germline.

Illumina Laboratory Services, Illumina
Classification: Benign for Brain small vessel disease 1 with or without ocular anomalies. Last evaluated: 2018-01-13. Review status: criteria provided, single submitter. Criteria: ICSL Variant Classification Criteria 13 December 2019. Collection method: clinical testing. Allele origin: germline.
Comment: This variant was observed in the ICSL laboratory as part of a predisposition screen in an ostensibly healthy population. It had not been previously curated by ICSL or reported in the Human Gene Mutation Database (HGMD: prior to June 1st, 2018), and was therefore a candidate for classification through an automated scoring system. Utilizing variant allele frequency, disease prevalence and penetrance estimates, and inheritance mode, an automated score was calculated to assess if this variant is too frequent to cause the disease. Based on the score and internal cut-off values, a variant classified as benign is not then subjected to further curation. The score for this variant resulted in a classification of benign for this disease.

Illumina Laboratory Services, Illumina
Classification: Benign for Autosomal dominant familial hematuria-retinal arteriolar tortuosity-contractures syndrome. Last evaluated: 2018-01-13. Review status: criteria provided, single submitter. Criteria: ICSL Variant Classification Criteria 13 December 2019. Collection method: clinical testing. Allele origin: germline.
Comment: the same text as in the submission from Illumina Laboratory Services, Illumina above.

GeneDx
Classification: Benign. Last evaluated: 2017-07-19. Review status: criteria provided, single submitter. Criteria: GeneDx Variant Classification (06012015). Collection method: clinical testing. Allele origin: germline. Affected: yes.
Comment: This variant is considered likely benign or benign based on one or more of the following criteria: it is a conservative change, it occurs at a poorly conserved position in the protein, it is predicted to be benign by multiple in silico algorithms, and/or has population frequency not consistent with disease.

Athena Diagnostics
Classification: Benign. Last evaluated: 2017-07-11. Review status: criteria provided, single submitter. Criteria: Athena Diagnostics Criteria. Collection method: clinical testing. Allele origin: germline.

Eurofins Ntd Llc (ga)
Classification: Benign. Last evaluated: 2015-08-27. Review status: criteria provided, single submitter. Criteria: EGL Classification Definitions 2015. Collection method: clinical testing. Allele origin: germline. Observed: 5 variant alleles, 5 homozygotes.

Breakthrough Genomics
Classification: Benign. Review status: criteria provided, single submitter. Criteria: ACMG Guidelines, 2015. Collection method: not provided. Allele origin: germline. Inheritance: Autosomal dominant inheritance. Affected: yes.

PreventionGenetics, part of Exact Sciences
Classification: Benign. Review status: criteria provided, single submitter. Criteria: ACMG Guidelines, 2015. Collection method: clinical testing. Allele origin: germline.

Clinical Genetics DNA and cytogenetics Diagnostics Lab, Erasmus MC, Erasmus Medical Center
Classification: Benign. Review status: no assertion criteria provided. Collection method: clinical testing. Allele origin: germline. Affected: yes. Study: VKGL Data-share Consensus. Not counted in ClinVar's aggregate classification.

Diagnostic Laboratory, Department of Genetics, University Medical Center Groningen
Classification: Benign. Review status: no assertion criteria provided. Collection method: clinical testing. Allele origin: germline. Affected: yes. Study: VKGL Data-share Consensus. Not counted in ClinVar's aggregate classification.

NM_001845.6(COL4A1):c.1663= (p.Pro555=)

Gene: COL4A1 (collagen type IV alpha 1 chain; minus strand). Cytogenetic location: 13q34.
Variant type: single nucleotide variant.
Coding change: c.1663= on transcript NM_001845.6 (MANE Select); coding-DNA position 1663, no change from the reference sequence.
Protein change: p.Pro555=; no amino-acid change (proline 555 retained).
Molecular consequence: no sequence alteration.
Genome position: GRCh38 VCF-style: chr13-110187203-G-G. GRCh37 (hg19) VCF-style: chr13-110839550-T-G.
Identifiers: ClinVar variation 258247 (VCV000258247.29), dbSNP rs536174.